The following is an entry in ClinVar:

ClinVar aggregate classification (germline): Pathogenic (1 of 4 stars; one submission).

Conditions:
ALG6-congenital disorder of glycosylation 1C (CDG1C). Also called: CARBOHYDRATE-DEFICIENT GLYCOPROTEIN SYNDROME, TYPE I, WITH DEFICIENT GLYCOSYLATION OF DOLICHOL-LINKED OLIGOSACCHARIDE; CARBOHYDRATE-DEFICIENT GLYCOPROTEIN SYNDROME, TYPE V; Congenital disorder of glycosylation type 1C; CDG Ic; Congenital disorder of glycosylation, type Ic. Identifiers: Orphanet 79320, MedGen C2930997, MONDO:0011291, OMIM 603147.

Submission:

Institute of Human Genetics, University of Leipzig Medical Center
Classification: Pathogenic for ALG6-congenital disorder of glycosylation 1C. Last evaluated: 2024-12-11. Review status: criteria provided, single submitter. Criteria: ACMG Guidelines, 2015. Collection method: clinical testing. Allele origin: maternal. Inheritance: Autosomal recessive inheritance. Affected: yes.
Comment: Criteria applied: PVS1, PM2, PP4

NM_013339.4(ALG6):c.988-945_1059-3794del

Gene: ALG6 (ALG6 alpha-1,3-glucosyltransferase; plus strand). Cytogenetic location: 1p31.3.
Variant type: Deletion.
Coding change: c.988-945_1059-3794del on transcript NM_013339.4 (MANE Select); 945 bases into the intron before coding-DNA position 988 through 3794 bases into the intron before coding-DNA position 1059, 6,515 bases deleted.
Molecular consequence: splice acceptor variant, splice donor variant.
Genome position (GRCh38, 1-based): chr1:63,418,425-63,424,939, 6,515 bases deleted. GRCh37 (hg19): chr1:63,884,096-63,890,610.
Identifiers: ClinVar variation 4819178 (VCV004819178.1).